The following is an entry in ClinVar:

ClinVar aggregate classification (germline): Uncertain significance (1 of 4 stars; one submission).

Conditions:
Nephronophthisis 14 (NPHP14). Identifiers: Orphanet 2318, MedGen C3539071, MONDO:0013916, OMIM 614844.

Allele frequency attached by ClinVar (database versions not stated): TOPMed below 0.00001.

Submission:

Labcorp Genetics (formerly Invitae), Labcorp
Classification: Uncertain significance for Nephronophthisis 14. Last evaluated: 2021-06-07. Review status: criteria provided, single submitter. Criteria: Invitae Variant Classification Sherloc (09022015). Collection method: clinical testing. Allele origin: germline.
Comment: In summary, the available evidence is currently insufficient to determine the role of this variant in disease. Therefore, it has been classified as a Variant of Uncertain Significance. Algorithms developed to predict the effect of missense changes on protein structure and function output the following: SIFT: "Tolerated"; PolyPhen-2: "Benign"; Align-GVGD: "Class C0". The threonine amino acid residue is found in multiple mammalian species, suggesting that this missense change does not adversely affect protein function. These predictions have not been confirmed by published functional studies and their clinical significance is uncertain. This variant has not been reported in the literature in individuals with ZNF423-related conditions. This variant is not present in population databases (ExAC no frequency). This sequence change replaces alanine with threonine at codon 539 of the ZNF423 protein (p.Ala539Thr). The alanine residue is moderately conserved and there is a small physicochemical difference between alanine and threonine.

NM_001379286.1(ZNF423):c.1639G>A (p.Ala547Thr)

Gene: ZNF423 (zinc finger protein 423; minus strand). Cytogenetic location: 16q12.1.
Variant type: single nucleotide variant.
Coding change: c.1639G>A on transcript NM_001379286.1 (MANE Select); coding-DNA position 1639, G replaced by A.
Protein change: p.Ala547Thr; replaces alanine 547 with threonine.
Molecular consequence: missense variant.
Genome position (GRCh38, 1-based): chr16:49,637,537, C>T on the plus strand (G>A on the coding strand, the complement: ZNF423 is on the minus strand). VCF-style: chr16-49637537-C-T. GRCh37 (hg19) VCF-style: chr16-49671448-C-T.
Other names: c.1615G>A, p.Ala539Thr (NM_015069.5); c.1435G>A, p.Ala479Thr (NM_001271620.2); c.1264G>A, p.Ala422Thr (NM_001330533.2); short protein forms A539T, A422T, A479T, A547T.
Identifiers: ClinVar variation 1497157 (VCV001497157.8), dbSNP rs1972778528, ClinGen allele CA395847139.